The following is an entry in ClinVar:

ClinVar aggregate classification (germline): Pathogenic (1 of 4 stars; one submission).

Conditions:
Neurofibromatosis, type 1 (NF1). Also called: Peripheral type neurofibromatosis; NEUROFIBROMATOSIS, TYPE I, SOMATIC; VON RECKLINGHAUSEN DISEASE; Neurofibromatosis, type I. Identifiers: Orphanet 636, MedGen C0027831, MONDO:0018975, OMIM 162200. Disease mechanism: loss of function.

Submission:

Labcorp Genetics (formerly Invitae), Labcorp
Classification: Pathogenic for Neurofibromatosis, type 1. Last evaluated: 2023-10-04. Review status: criteria provided, single submitter. Criteria: Invitae Variant Classification Sherloc (09022015). Collection method: clinical testing. Allele origin: germline.
Comment: This sequence change creates a premature translational stop signal (p.Val1718Ilefs*17) in the NF1 gene. It is expected to result in an absent or disrupted protein product. Loss-of-function variants in NF1 are known to be pathogenic (PMID: 10712197, 23913538). This variant is not present in population databases (gnomAD no frequency). This variant has not been reported in the literature in individuals affected with NF1-related conditions. Algorithms developed to predict the effect of sequence changes on RNA splicing suggest that this variant may disrupt the consensus splice site. For these reasons, this variant has been classified as Pathogenic.

Literature cited by the submitters: PubMed 10712197; PubMed 23913538.

NM_001042492.3(NF1):c.5215_5216del (p.Val1739fs)

Gene: NF1 (neurofibromin 1; plus strand). Cytogenetic location: 17q11.2.
Variant type: Deletion.
Coding change: c.5215_5216del on transcript NM_001042492.3 (MANE Select); coding-DNA positions 5215 to 5216, 2 bases deleted (GT; older notation c.5215_5216delGT).
Protein change: p.Val1739fs; shifts the reading frame from valine 1739.
Molecular consequence: frameshift variant.
Genome position (GRCh38, 1-based): chr17:31,326,199-31,326,200, GT deleted. VCF-style (leftmost placement, unchanged base first): chr17-31326198-GGT-G. GRCh37 (hg19) VCF-style: chr17-29653216-GGT-G.
Other names: c.5152_5153delGT, p.Val1718Ilefs (NM_000267.4); short protein forms V1718fs, V1739fs.
Identifiers: ClinVar variation 2751807 (VCV002751807.3), dbSNP rs2508698274, ClinGen allele CA2697559594.